The following is an entry in ClinVar:

NM_005228.5(EGFR):c.2029C>T (p.Arg677Cys)

Gene: EGFR (epidermal growth factor receptor; plus strand). Cytogenetic location: 7p11.2.
Variant type: single nucleotide variant.
Coding change: c.2029C>T on transcript NM_005228.5 (MANE Select); coding-DNA position 2029, C replaced by T.
Protein change: p.Arg677Cys; replaces arginine 677 with cysteine.
Molecular consequence: missense variant.
Genome position (GRCh38, 1-based): chr7:55,173,092, C>T. VCF-style: chr7-55173092-C-T. GRCh37 (hg19) VCF-style: chr7-55240785-C-T.
Other names: c.1894C>T, p.Arg632Cys (NM_001346897.2, NM_001346899.2); c.2029C>T, p.Arg677Cys (NM_001346898.2); c.1870C>T, p.Arg624Cys (NM_001346900.2); c.1228C>T, p.Arg410Cys (NM_001346941.2); short protein forms R632C, R410C, R624C, R677C.
Identifiers: ClinVar variation 950520 (VCV000950520.10), dbSNP rs1417155613, ClinGen allele CA367583204.

ClinVar aggregate classification (germline): Uncertain significance. Review status: criteria provided, multiple submitters, no conflicts (2 of 4 stars). 2 submissions from 2 submitters: Uncertain significance (2). Last evaluated 2026-01-21.

Conditions:
Hereditary cancer-predisposing syndrome. Also called: Tumor predisposition; Hereditary neoplastic syndrome; Hereditary Cancer Syndrome; Neoplastic Syndromes, Hereditary. Identifiers: Orphanet 140162, MedGen C0027672, MeSH D009386, MONDO:0015356.
EGFR-related lung cancer (EGFR). Identifiers: MedGen CN130014.

Allele frequency attached by ClinVar (database versions not stated): gnomAD exomes below 0.00001; gnomAD 0.00001; TOPMed 0.00001.
gnomAD v4.1: 5 of 1,612,346 alleles (0.00031%); highest among the groups gnomAD compares: Admixed American, 0.0017%; no homozygotes.

Submissions (2):

Ambry Genetics
Classification: Uncertain significance for Hereditary cancer-predisposing syndrome. Last evaluated: 2026-01-21. Review status: criteria provided, single submitter. Criteria: Ambry Variant Classification Scheme 2023. Collection method: clinical testing. Allele origin: germline.
Comment: The p.R677C variant (also known as c.2029C>T), located in coding exon 17 of the EGFR gene, results from a C to T substitution at nucleotide position 2029. The arginine at codon 677 is replaced by cysteine, an amino acid with highly dissimilar properties. This amino acid position is highly conserved in available vertebrate species. In addition, this alteration is predicted to be deleterious by in silico analysis. Based on the available evidence, the clinical significance of this variant remains unclear.

Labcorp Genetics (formerly Invitae), Labcorp
Classification: Uncertain significance for EGFR-related lung cancer. Last evaluated: 2023-07-26. Review status: criteria provided, single submitter. Criteria: Invitae Variant Classification Sherloc (09022015). Collection method: clinical testing. Allele origin: germline.
Comment: Advanced modeling of protein sequence and biophysical properties (such as structural, functional, and spatial information, amino acid conservation, physicochemical variation, residue mobility, and thermodynamic stability) performed at Invitae indicates that this missense variant is expected to disrupt EGFR protein function. ClinVar contains an entry for this variant (Variation ID: 950520). This variant has not been reported in the literature in individuals affected with EGFR-related conditions. The frequency data for this variant in the population databases is considered unreliable, as metrics indicate poor data quality at this position in the gnomAD database. This sequence change replaces arginine, which is basic and polar, with cysteine, which is neutral and slightly polar, at codon 677 of the EGFR protein (p.Arg677Cys). In summary, the available evidence is currently insufficient to determine the role of this variant in disease. Therefore, it has been classified as a Variant of Uncertain Significance.